The following is an entry in ClinVar:

ClinVar aggregate classification (germline): Uncertain significance (1 of 4 stars; one submission).

gnomAD v4.1: 3 of 1,612,748 alleles (0.00019%); highest among the groups gnomAD compares: Non-Finnish European, 0.00025%; no homozygotes.

Submission:

GeneDx
Classification: Uncertain significance. Last evaluated: 2024-12-20. Review status: criteria provided, single submitter. Criteria: GeneDx Variant Classification Process June 2021. Collection method: clinical testing. Allele origin: germline. Affected: yes.
Comment: Not observed at significant frequency in large population cohorts (gnomAD); In silico analysis indicates that this missense variant does not alter protein structure/function; Has not been previously published as pathogenic or benign to our knowledge

NM_013450.4(BAZ2B):c.2189A>T (p.His730Leu)

Gene: BAZ2B (bromodomain adjacent to zinc finger domain 2B; minus strand). Cytogenetic location: 2q24.2.
Variant type: single nucleotide variant.
Coding change: c.2189A>T on transcript NM_013450.4 (MANE Select); coding-DNA position 2189, A replaced by T.
Protein change: p.His730Leu; replaces histidine 730 with leucine.
Molecular consequence: missense variant.
Genome position (GRCh38, 1-based): chr2:159,430,868, T>A on the plus strand (A>T on the coding strand, the complement: BAZ2B is on the minus strand). VCF-style: chr2-159430868-T-A. GRCh37 (hg19) VCF-style: chr2-160287379-T-A.
Other names: c.2183A>T, p.His728Leu (NM_001289975.1); c.2000A>T, p.His667Leu (NM_001329857.2); c.2189A>T, p.His730Leu (NM_001329858.2); short protein forms H667L, H728L, H730L.
Identifiers: ClinVar variation 3906339 (VCV003906339.1).